The following is an entry in ClinVar:

ClinVar aggregate classification (germline): Uncertain significance. Review status: criteria provided, multiple submitters, no conflicts (2 of 4 stars). 2 submissions from 2 submitters: Uncertain significance (2). Last evaluated 2026-08-16.

Conditions:
RASopathy. Also called: rasopathies; Noonan spectrum disorder. Identifiers: Orphanet 536391, MedGen C5555857, MONDO:0021060.
Cardiovascular phenotype. Identifiers: MedGen CN230736.

gnomAD v4.1: 4 of 1,614,050 alleles (0.00025%); highest among the groups gnomAD compares: Non-Finnish European, 0.00034%; no homozygotes.

Submissions (2):

Ambry Genetics
Classification: Uncertain significance for Cardiovascular phenotype. Last evaluated: 2026-08-16. Review status: criteria provided, single submitter. Criteria: Ambry Variant Classification Scheme 2023. Collection method: clinical testing. Allele origin: germline.
Comment: The p.P534A variant (also known as c.1600C>G), located in coding exon 11 of the CBL gene, results from a C to G substitution at nucleotide position 1600. The proline at codon 534 is replaced by alanine, an amino acid with highly similar properties. This amino acid position is conserved. In addition, the in silico prediction for this alteration is inconclusive. Based on the available evidence, the clinical significance of this variant remains unclear.

Labcorp Genetics (formerly Invitae), Labcorp
Classification: Uncertain significance for RASopathy. Last evaluated: 2024-09-26. Review status: criteria provided, single submitter. Criteria: Invitae Variant Classification Sherloc (09022015). Collection method: clinical testing. Allele origin: germline.
Comment: This sequence change replaces proline, which is neutral and non-polar, with alanine, which is neutral and non-polar, at codon 534 of the CBL protein (p.Pro534Ala). This variant is present in population databases (no rsID available, gnomAD 0.007%). This variant has not been reported in the literature in individuals affected with CBL-related conditions. Invitae Evidence Modeling of protein sequence and biophysical properties (such as structural, functional, and spatial information, amino acid conservation, physicochemical variation, residue mobility, and thermodynamic stability) has been performed for this missense variant. However, the output from this modeling did not meet the statistical confidence thresholds required to predict the impact of this variant on CBL protein function. In summary, the available evidence is currently insufficient to determine the role of this variant in disease. Therefore, it has been classified as a Variant of Uncertain Significance.

NM_005188.4(CBL):c.1600C>G (p.Pro534Ala)

Gene: CBL (Cbl proto-oncogene; plus strand). Cytogenetic location: 11q23.3.
Variant type: single nucleotide variant.
Coding change: c.1600C>G on transcript NM_005188.4 (MANE Select); coding-DNA position 1600, C replaced by G.
Protein change: p.Pro534Ala; replaces proline 534 with alanine.
Molecular consequence: missense variant.
Genome position (GRCh38, 1-based): chr11:119,285,225, C>G. VCF-style: chr11-119285225-C-G. GRCh37 (hg19) VCF-style: chr11-119155935-C-G.
Other names: c.1600C>G (NM_005188.2); short protein forms P534A.
Identifiers: ClinVar variation 3634395 (VCV003634395.3).